The following is an entry in ClinVar:

ClinVar aggregate classification (germline): Likely benign (0 of 4 stars; one submission).

Conditions:
CHD3-related disorder. Also called: CHD3-related condition.

Allele frequency attached by ClinVar (database versions not stated): TOPMed 0.00001; gnomAD 0.00005; ExAC 0.00025.
gnomAD v4.1: 178 of 1,613,832 alleles (0.011%); highest among the groups gnomAD compares: South Asian, 0.17%; 1 homozygote.

Submission:

PreventionGenetics, part of Exact Sciences
Classification: Likely benign for CHD3-related condition. Last evaluated: 2019-04-15. Review status: no assertion criteria provided. Collection method: clinical testing. Allele origin: germline.
Comment: This variant is classified as likely benign based on ACMG/AMP sequence variant interpretation guidelines (Richards et al. 2015 PMID: 25741868, with internal and published modifications).

NM_001005273.3(CHD3):c.5262-9C>T

Gene: CHD3 (chromodomain helicase DNA binding protein 3; plus strand). Cytogenetic location: 17p13.1.
Variant type: single nucleotide variant.
Coding change: c.5262-9C>T on transcript NM_001005273.3 (MANE Select); 9 bases into the intron before coding-DNA position 5262, C replaced by T.
Molecular consequence: intron variant.
Genome position (GRCh38, 1-based): chr17:7,908,688, C>T. VCF-style: chr17-7908688-C-T. GRCh37 (hg19) VCF-style: chr17-7812006-C-T.
Other names: c.5439-9C>T (NM_001005271.3); c.5160-9C>T (NM_005852.4).
Identifiers: ClinVar variation 3048894 (VCV003048894.2), dbSNP rs201425133, ClinGen allele CA8363634.